The following is an entry in ClinVar:

NM_004006.3(DMD):c.4268G>C (p.Ser1423Thr)

Gene: DMD (dystrophin; minus strand). Cytogenetic location: Xp21.1.
Variant type: single nucleotide variant.
Coding change: c.4268G>C on transcript NM_004006.3 (MANE Select); coding-DNA position 4268, G replaced by C.
Protein change: p.Ser1423Thr; replaces serine 1423 with threonine.
Molecular consequence: missense variant.
Genome position (GRCh38, 1-based): chrX:32,390,147, C>G on the plus strand (G>C on the coding strand, the complement: DMD is on the minus strand). VCF-style: chrX-32390147-C-G. GRCh37 (hg19) VCF-style: chrX-32408264-C-G.
Other names: c.4244G>C, p.Ser1415Thr (NM_000109.4); c.4256G>C, p.Ser1419Thr (NM_004009.3); c.3899G>C, p.Ser1300Thr (NM_004010.3); c.245G>C, p.Ser82Thr (NM_004011.4); c.236G>C, p.Ser79Thr (NM_004012.4); short protein forms S1300T, S1419T, S1423T, S79T, S1415T, S82T.
Identifiers: ClinVar variation 1739216 (VCV001739216.6), dbSNP rs1378075633, ClinGen allele CA412664146.

ClinVar aggregate classification (germline): Uncertain significance. Review status: criteria provided, multiple submitters, no conflicts (2 of 4 stars). 3 submissions from 3 submitters: Uncertain significance (3). Last evaluated 2024-04-10.

Conditions:
Cardiovascular phenotype. Identifiers: MedGen CN230736.
Duchenne muscular dystrophy (DMD). Also called: MUSCULAR DYSTROPHY, PSEUDOHYPERTROPHIC PROGRESSIVE, DUCHENNE TYPE; Duchenne Muscular Dystrophy (DMD). Identifiers: Orphanet 98896, MedGen C0013264, MONDO:0010679, OMIM 310200.

Allele frequency attached by ClinVar (database versions not stated): TOPMed 0.00001; gnomAD 0.00001.
gnomAD v4.1: 19 of 1,207,314 alleles (0.0016%); highest among the groups gnomAD compares: Non-Finnish European, 0.002%; no homozygotes.

Submissions (3):

GeneDx
Classification: Uncertain significance. Last evaluated: 2024-04-10. Review status: criteria provided, single submitter. Criteria: GeneDx Variant Classification Process June 2021. Collection method: clinical testing. Allele origin: germline. Affected: yes.
Comment: Not observed at significant frequency in large population cohorts (gnomAD); In silico analysis indicates that this missense variant does not alter protein structure/function; Has not been previously published as pathogenic or benign to our knowledge

Labcorp Genetics (formerly Invitae), Labcorp
Classification: Uncertain significance for Duchenne muscular dystrophy. Last evaluated: 2023-10-29. Review status: criteria provided, single submitter. Criteria: Invitae Variant Classification Sherloc (09022015). Collection method: clinical testing. Allele origin: germline.
Comment: This sequence change replaces serine, which is neutral and polar, with threonine, which is neutral and polar, at codon 1423 of the DMD protein (p.Ser1423Thr). This variant is not present in population databases (gnomAD no frequency). This variant has not been reported in the literature in individuals affected with DMD-related conditions. ClinVar contains an entry for this variant (Variation ID: 1739216). Advanced modeling of protein sequence and biophysical properties (such as structural, functional, and spatial information, amino acid conservation, physicochemical variation, residue mobility, and thermodynamic stability) performed at Invitae indicates that this missense variant is not expected to disrupt DMD protein function with a negative predictive value of 95%. In summary, the available evidence is currently insufficient to determine the role of this variant in disease. Therefore, it has been classified as a Variant of Uncertain Significance.

Ambry Genetics
Classification: Uncertain significance for Cardiovascular phenotype. Last evaluated: 2022-10-14. Review status: criteria provided, single submitter. Criteria: Ambry Variant Classification Scheme 2023. Collection method: clinical testing. Allele origin: germline.
Comment: The p.S1423T variant (also known as c.4268G>C), located in coding exon 31 of the DMD gene, results from a G to C substitution at nucleotide position 4268. The serine at codon 1423 is replaced by threonine, an amino acid with similar properties. This amino acid position is well conserved in available vertebrate species. In addition, this alteration is predicted to be tolerated by in silico analysis. Since supporting evidence is limited at this time, the clinical significance of this alteration remains unclear.